The following is an entry in ClinVar:

NM_004380.3(CREBBP):c.4890+7G>A

Gene: CREBBP (CREB binding lysine acetyltransferase; minus strand). Cytogenetic location: 16p13.3.
Variant type: single nucleotide variant.
Coding change: c.4890+7G>A on transcript NM_004380.3 (MANE Select); 7 bases into the intron after coding-DNA position 4890, G replaced by A.
Molecular consequence: intron variant.
Genome position (GRCh38, 1-based): chr16:3,731,769, C>T on the plus strand (G>A on the coding strand, the complement: CREBBP is on the minus strand). VCF-style: chr16-3731769-C-T. GRCh37 (hg19) VCF-style: chr16-3781770-C-T.
Other names: c.4776+7G>A (NM_001079846.1).
Identifiers: ClinVar variation 3042482 (VCV003042482.2), dbSNP rs376118322, ClinGen allele CA7869407.
Genomic context (GRCh38, chr16:3,731,769, plus strand): 5'-CGCCAGCTGCGAGTCTTTCCCTCCTCCCGGCCAGAGGCACGGCTGCAGCACCGCAGCCCA[C>T]GCCTACCTCCTTGTGCTTCTCCATGGTGGCATACAGCTTCTGGGACAGGTCATTGGACAC-3'

ClinVar aggregate classification (germline): Likely benign (0 of 4 stars; one submission).

Conditions:
CREBBP-related disorder. Also called: CREBBP-related disorders; CREBBP-related condition.

Allele frequency attached by ClinVar (database versions not stated): ESP Exome Variant Server 0.00008.
gnomAD v4.1: 22 of 1,614,118 alleles (0.0014%); highest among the groups gnomAD compares: African/African-American, 0.0027%; no homozygotes.

Submission:

PreventionGenetics, part of Exact Sciences
Classification: Likely benign for CREBBP-related condition. Last evaluated: 2023-06-16. Review status: no assertion criteria provided. Collection method: clinical testing. Allele origin: germline.
Comment: This variant is classified as likely benign based on ACMG/AMP sequence variant interpretation guidelines (Richards et al. 2015 PMID: 25741868, with internal and published modifications).